The following is an entry in ClinVar:

ClinVar aggregate classification (germline): Pathogenic/Likely pathogenic. Review status: criteria provided, multiple submitters, no conflicts (2 of 4 stars). 2 submissions from 2 submitters: Pathogenic (1); Likely pathogenic (1). Last evaluated 2026-10-23.

Conditions:
Dermatitis, atopic, 2. Identifiers: MedGen C1853965, MONDO:0011596, OMIM 605803.
Ichthyosis vulgaris. Also called: Dominant ichthyosis vulgaris; ICHTHYOSIS SIMPLEX. Identifiers: MedGen C0079584, MONDO:0024304, OMIM 146700.

Allele frequency attached by ClinVar (database versions not stated): ExAC 0.00001; gnomAD exomes below 0.00001.
gnomAD v4.1: 7 of 1,614,056 alleles (0.00043%); highest among the groups gnomAD compares: Non-Finnish European, 0.00059%; no homozygotes.

Submissions (2):

Gene Mapping Laboratory, Hacettepe University
Classification: Likely pathogenic for Ichthyosis vulgaris. Last evaluated: 2026-10-23. Review status: criteria provided, single submitter. Criteria: ACMG Guidelines, 2015. Collection method: research. Allele origin: paternal. Inheritance: Autosomal dominant inheritance. Affected: yes. Observed: 1 variant allele, 1 heterozygote.
Comment: This heterozygous nonsense variant introduces a premature termination codon and is expected to result in loss of filaggrin function (PVS1). It is reported rarely in population databases (PM2).

Genomic Research Center, Shahid Beheshti University of Medical Sciences
Classification: Pathogenic for Dermatitis, atopic, 2. Last evaluated: 2017-12-18. Review status: criteria provided, single submitter. Criteria: ACMG Guidelines, 2015. Collection method: clinical testing. Allele origin: inherited.

NM_002016.2(FLG):c.5170G>T (p.Gly1724Ter)

Genes: CCDST (cervical cancer associated DHX9 suppressive transcript; plus strand), FLG (filaggrin; minus strand). Cytogenetic location: 1q21.3.
Variant type: single nucleotide variant.
Coding change: c.5170G>T on transcript NM_002016.2 (MANE Select); coding-DNA position 5170, G replaced by T.
Protein change: p.Gly1724Ter; replaces glycine 1724 with a stop codon.
Molecular consequence: nonsense.
Genome position (GRCh38, 1-based): chr1:152,309,716, C>A on the plus strand (G>T on the coding strand, the complement: FLG is on the minus strand). VCF-style: chr1-152309716-C-A. GRCh37 (hg19) VCF-style: chr1-152282192-C-A.
Other names: short protein forms G1724*.
Identifiers: ClinVar variation 522879 (VCV000522879.6), dbSNP rs747301529, ClinGen allele CA1105882.
Genomic context (GRCh38, chr1:152,309,716, plus strand): 5'-GATGGGGCCCAGCCTGTCCGTGGGCTGACACTGACTGTGTGTCTGACTCTTCTGAGTGTC[C>A]CTCGCTGTCACTGGCCTGGCTACCACTGGACCCTCGGTTTCCACTGTCTCCGACTACAGA-3'